The following is an entry in ClinVar:

ClinVar aggregate classification (germline): Uncertain significance (1 of 4 stars; one submission).

Submission:

Labcorp Genetics (formerly Invitae), Labcorp
Classification: Uncertain significance. Last evaluated: 2024-10-11. Review status: criteria provided, single submitter. Criteria: Invitae Variant Classification Sherloc (09022015). Collection method: clinical testing. Allele origin: germline.
Comment: This sequence change replaces phenylalanine, which is neutral and non-polar, with leucine, which is neutral and non-polar, at codon 1148 of the PCDH15 protein (p.Phe1148Leu). This variant is not present in population databases (gnomAD no frequency). This variant has not been reported in the literature in individuals affected with PCDH15-related conditions. Invitae Evidence Modeling of protein sequence and biophysical properties (such as structural, functional, and spatial information, amino acid conservation, physicochemical variation, residue mobility, and thermodynamic stability) indicates that this missense variant is not expected to disrupt PCDH15 protein function with a negative predictive value of 95%. In summary, the available evidence is currently insufficient to determine the role of this variant in disease. Therefore, it has been classified as a Variant of Uncertain Significance.

NM_001384140.1(PCDH15):c.3442T>C (p.Phe1148Leu)

Gene: PCDH15 (protocadherin related 15; minus strand). Cytogenetic location: 10q21.1.
Variant type: single nucleotide variant.
Coding change: c.3442T>C on transcript NM_001384140.1 (MANE Select); coding-DNA position 3442, T replaced by C.
Protein change: p.Phe1148Leu; replaces phenylalanine 1148 with leucine.
Molecular consequence: missense variant.
Genome position (GRCh38, 1-based): chr10:53,903,302, A>G on the plus strand (T>C on the coding strand, the complement: PCDH15 is on the minus strand). VCF-style: chr10-53903302-A-G. GRCh37 (hg19) VCF-style: chr10-55663062-A-G.
Other names: c.3457T>C, p.Phe1153Leu (NM_001142763.2, NM_001142771.2); c.3442T>C, p.Phe1148Leu (NM_001142764.2, NM_001142766.2, NM_001142770.3 and 4 more transcripts); c.3229T>C, p.Phe1077Leu (NM_001142765.2); c.3331T>C, p.Phe1111Leu (NM_001142767.2); c.3376T>C, p.Phe1126Leu (NM_001142768.2, NM_001142773.2, NM_001354404.2); c.3478T>C, p.Phe1160Leu (NM_001142769.4); c.3463T>C, p.Phe1155Leu (NM_001354411.2); short protein forms F1148L, F1126L, F1153L, F1160L, F1077L, F1111L, F1155L.
Identifiers: ClinVar variation 3711724 (VCV003711724.2).